The following is an entry in ClinVar:

ClinVar aggregate classification (germline): Uncertain significance (1 of 4 stars; one submission).

Conditions:
Developmental and epileptic encephalopathy, 23 (DEE23). Also called: Epileptic encephalopathy, early infantile, 23. Identifiers: Orphanet 411986, MedGen C4014492, MONDO:0014371, OMIM 615859.

Allele frequency attached by ClinVar (database versions not stated): TOPMed below 0.00001; ExAC 0.00002; gnomAD 0.00001; gnomAD exomes below 0.00001.
gnomAD v4.1: 4 of 1,590,606 alleles (0.00025%); highest among the groups gnomAD compares: Admixed American, 0.0068%; no homozygotes.

Submission:

Labcorp Genetics (formerly Invitae), Labcorp
Classification: Uncertain significance for Developmental and epileptic encephalopathy, 23. Last evaluated: 2021-09-01. Review status: criteria provided, single submitter. Criteria: Invitae Variant Classification Sherloc (09022015). Collection method: clinical testing. Allele origin: germline.
Comment: This sequence change falls in intron 8 of the DOCK7 gene. It does not directly change the encoded amino acid sequence of the DOCK7 protein. It affects a nucleotide within the consensus splice site of the intron. This variant is present in population databases (rs754789712, ExAC 0.02%). This variant has not been reported in the literature in individuals affected with DOCK7-related conditions. Variants that disrupt the consensus splice site are a relatively common cause of aberrant splicing (PMID: 17576681, 9536098). Algorithms developed to predict the effect of sequence changes on RNA splicing suggest that this variant may create or strengthen a splice site. In summary, the available evidence is currently insufficient to determine the role of this variant in disease. Therefore, it has been classified as a Variant of Uncertain Significance.

Literature cited by the submitters: PubMed 17576681; PubMed 9536098.

NM_001367561.1(DOCK7):c.885+6A>G

Gene: DOCK7 (dedicator of cytokinesis 7; minus strand). Cytogenetic location: 1p31.3.
Variant type: single nucleotide variant.
Coding change: c.885+6A>G on transcript NM_001367561.1 (MANE Select); 6 bases into the intron after coding-DNA position 885, A replaced by G.
Molecular consequence: intron variant.
Genome position (GRCh38, 1-based): chr1:62,636,531, T>C on the plus strand (A>G on the coding strand, the complement: DOCK7 is on the minus strand). VCF-style: chr1-62636531-T-C. GRCh37 (hg19) VCF-style: chr1-63102202-T-C.
Other names: c.885+6A>G (NM_001272001.2, NM_001272000.2, NM_033407.4 and 3 more transcripts).
Identifiers: ClinVar variation 846361 (VCV000846361.10), dbSNP rs754789712, ClinGen allele CA887088.